The following is an entry in ClinVar:

NM_000053.4(ATP7B):c.2620G>C (p.Ala874Pro)

Gene: ATP7B (ATPase copper transporting beta; minus strand). Cytogenetic location: 13q14.3.
Variant type: single nucleotide variant.
Coding change: c.2620G>C on transcript NM_000053.4 (MANE Select); coding-DNA position 2620, G replaced by C.
Protein change: p.Ala874Pro; replaces alanine 874 with proline.
Molecular consequence: missense variant.
Genome position (GRCh38, 1-based): chr13:51,950,117, C>G on the plus strand (G>C on the coding strand, the complement: ATP7B is on the minus strand). VCF-style: chr13-51950117-C-G. GRCh37 (hg19) VCF-style: chr13-52524253-C-G.
Other names: p.Ala874Pro; c.2134G>C, p.Ala712Pro (NM_001005918.3); c.2287G>C, p.Ala763Pro (NM_001243182.2); c.2386G>C, p.Ala796Pro (NM_001330578.2); c.2368G>C, p.Ala790Pro (NM_001330579.2); short protein forms A874P, A712P, A763P, A790P, A796P.
Identifiers: ClinVar variation 558460 (VCV000558460.7), dbSNP rs376355660, ClinGen allele CA250085276.
Genomic context (GRCh38, chr13:51,950,117, plus strand): 5'-TGTCATTGCCCACGTGGGTAGCTTTAATGAGCACAGAGCCATGTGCATTTATAGACCCCG[C>G]AATTACAGTGCTTCCGGGTTTCTTAGTGACTGGCATGGCTTCTCCTAGACGTAGGAAAGA-3'
Protein context (NP_000044.2, residues 864-884): VTKKPGSTVI[Ala874Pro]GSINAHGSVL

ClinVar aggregate classification (germline): Conflicting classifications of pathogenicity. Review status: criteria provided, conflicting classifications (1 of 4 stars). 5 submissions from 5 submitters: Pathogenic (2); Likely pathogenic (1); Uncertain significance (1). 1 of the submissions does not count toward it. Last evaluated 2025-12-17.

Conditions:
Wilson disease (WND). Also called: Wilson's disease. Identifiers: Orphanet 905, MedGen C0019202, MONDO:0010200, OMIM 277900. Disease mechanism: loss of function.

Allele frequency attached by ClinVar (database versions not stated): gnomAD exomes below 0.00001.

Submissions (5):

Natera, Inc.
Classification: Pathogenic for Wilson disease. Last evaluated: 2025-12-17. Review status: criteria provided, single submitter. Criteria: Natera Variant Classification Schema (03/2026). Collection method: clinical testing. Allele origin: germline.
Comment: The c.2620G>C variant in ATP7B is a missense variant predicted to cause substitution of alanine to proline at amino acid 874. This variant is rare in the general population with a frequency below the threshold expected for the associated phenotype(s). This variant has been observed in one or more individuals affected with the associated recessive disease, as either homozygous or compound heterozygous with a second variant (PMID: 23843956, 27398169, 35220961). A different variant at the same position has been determined to be Pathogenic or Likely Pathogenic. Computational prediction algorithms indicate this variant is likely to affect gene or protein function. Given the available evidence, this variant is classified as Pathogenic.

Mayo Clinic Laboratories, Mayo Clinic
Classification: Pathogenic. Last evaluated: 2024-05-22. Review status: criteria provided, single submitter. Criteria: ACMG Guidelines, 2015. Collection method: clinical testing. Allele origin: germline. Observed: 1 variant allele.
Comment: PP3, PP4, PM2, PM3_strong, PM5, PS4_moderate

Chongqing Key Laboratory of Child Rare Diseases in Infection and Immunity, Children’s Hospital of Chongqing Medical University
Classification: Uncertain significance for Wilson disease. Last evaluated: 2024-01-01. Review status: criteria provided, single submitter. Criteria: ACMG Guidelines, 2015. Collection method: clinical testing. Allele origin: germline. Inheritance: Autosomal recessive inheritance. Affected: yes.
Comment: Classified as Uncertain significance according to the ACMG/AMP 2015 guidelines (PMID:25741868). The classification was based on the available submitted evidence for Wilson disease (OMIM:277900), including clinical-testing observations, variant consequence/protein annotation, and published or ClinVar evidence where available. Supporting information considered: variant annotation: p.Ala874Pro; Missense; Protein domain: P-domain-enriched; submitted notation: NM_000053.4:c.2620G>C (p.Ala874Pro); source variant type: Missense; source domain: P-domain-enriched; allele count n=230: 1.

Juno Genomics, Hangzhou Juno Genomics, Inc
Classification: Likely pathogenic for Wilson disease. Review status: criteria provided, single submitter. Criteria: ACMG Guidelines, 2015. Collection method: clinical testing. Allele origin: germline.
Comment: Absent from controls (or at extremely low frequency if recessive) in Genome Aggregation Database.;Novel missense change at an amino acid residue where a different missense change determined to be pathogenic has been seen before.;Multiple lines of computational evidence support a deleterious effect on the gene or gene product.;For recessive disorders, detected in trans with a pathogenic variant.

Counsyl
Classification: Likely pathogenic for Wilson disease. Last evaluated: 2018-05-23. Review status: no assertion criteria provided. Collection method: clinical testing. Allele origin: unknown. Not counted in ClinVar's aggregate classification.

Literature cited by the submitters: PubMed 23843956 (cited by 3 submitters); PubMed 27398169 (cited by 3 submitters); PubMed 35220961 (cited by Natera, Inc. and Mayo Clinic Laboratories, Mayo Clinic); PubMed 21219664 (cited by Mayo Clinic Laboratories, Mayo Clinic); PubMed 21796144 (cited by Mayo Clinic Laboratories, Mayo Clinic and Counsyl); PubMed 25376582 (cited by Mayo Clinic Laboratories, Mayo Clinic and Counsyl); PubMed 30275481 (cited by Mayo Clinic Laboratories, Mayo Clinic); PubMed 34002136 (cited by Mayo Clinic Laboratories, Mayo Clinic); PubMed 36253962 (cited by Mayo Clinic Laboratories, Mayo Clinic); PubMed 36343861 (cited by Mayo Clinic Laboratories, Mayo Clinic).